The following is an entry in ClinVar:

NM_001267550.2(TTN):c.89295T>C (p.Ala29765=)

Genes: TTN-AS1 (TTN antisense RNA 1; plus strand), TTN (titin; minus strand). Cytogenetic location: 2q31.2.
Variant type: single nucleotide variant.
Coding change: c.89295T>C on transcript NM_001267550.2 (MANE Select); coding-DNA position 89295, T replaced by C.
Protein change: p.Ala29765=; no amino-acid change (alanine 29765 retained).
Molecular consequence: synonymous variant.
Genome position (GRCh38, 1-based): chr2:178,553,710, A>G on the plus strand (T>C on the coding strand, the complement: TTN is on the minus strand). VCF-style: chr2-178553710-A-G. GRCh37 (hg19) VCF-style: chr2-179418437-A-G.
Other names: c.84372T>C, p.Ala28124= (NM_001256850.1); c.62100T>C, p.Ala20700= (NM_003319.4); c.81591T>C, p.Ala27197= (NM_133378.4); c.62475T>C, p.Ala20825= (NM_133432.3); c.62676T>C, p.Ala20892= (NM_133437.4).
Identifiers: ClinVar variation 467620 (VCV000467620.16), dbSNP rs375374658, ClinGen allele CA1987948.

ClinVar aggregate classification (germline): Conflicting classifications of pathogenicity. Review status: criteria provided, conflicting classifications (1 of 4 stars). 4 submissions from 4 submitters: Uncertain significance (1); Likely benign (3). Last evaluated 2025-09-08.

Conditions:
Autosomal recessive limb-girdle muscular dystrophy type 2J (LGMDR10). Also called: Limb-girdle muscular dystrophy, type 2J; MUSCULAR DYSTROPHY, LIMB-GIRDLE, AUTOSOMAL RECESSIVE 10. Identifiers: Orphanet 140922, MedGen C1837342, MONDO:0012127, OMIM 608807.
Dilated cardiomyopathy 1G (CMD1G). Identifiers: Orphanet 154, MedGen C1858763, MONDO:0011400, OMIM 604145.
Cardiovascular phenotype. Identifiers: MedGen CN230736.

Allele frequency attached by ClinVar (database versions not stated): ExAC 0.00002; TOPMed 0.00002; gnomAD 0.00003; gnomAD exomes 0.00003; ESP Exome Variant Server 0.00008.
gnomAD v4.1: 53 of 1,613,702 alleles (0.0033%); highest among the groups gnomAD compares: Non-Finnish European, 0.0045%; no homozygotes.

Submissions (4):

Labcorp Genetics (formerly Invitae), Labcorp
Classification: Likely benign for Dilated cardiomyopathy 1G; Autosomal recessive limb-girdle muscular dystrophy type 2J. Last evaluated: 2025-09-08. Review status: criteria provided, single submitter. Criteria: Invitae Variant Classification Sherloc (09022015). Collection method: clinical testing. Allele origin: germline.

Ambry Genetics
Classification: Likely benign for Cardiovascular phenotype. Last evaluated: 2023-07-12. Review status: criteria provided, single submitter. Criteria: Ambry Variant Classification Scheme 2023. Collection method: clinical testing. Allele origin: germline.

GeneDx
Classification: Likely benign. Last evaluated: 2017-02-06. Review status: criteria provided, single submitter. Criteria: GeneDx Variant Classification (06012015). Collection method: clinical testing. Allele origin: germline. Affected: yes.
Comment: This variant is considered likely benign or benign based on one or more of the following criteria: it is a conservative change, it occurs at a poorly conserved position in the protein, it is predicted to be benign by multiple in silico algorithms, and/or has population frequency not consistent with disease.

Eurofins Ntd Llc (ga)
Classification: Uncertain significance. Last evaluated: 2016-10-16. Review status: criteria provided, single submitter. Criteria: EGL Classification Definitions 2015. Collection method: clinical testing. Allele origin: germline. Observed: 2 variant alleles, 2 heterozygotes.